The following is an entry in ClinVar:

ClinVar aggregate classification (germline): Uncertain significance (1 of 4 stars; one submission).

Conditions:
Werner syndrome (WRN). Identifiers: Orphanet 902, MedGen C0043119, MONDO:0010196, OMIM 277700.

Allele frequency attached by ClinVar (database versions not stated): gnomAD exomes below 0.00001.
gnomAD v4.1: 2 of 1,613,146 alleles (0.00012%); highest among the groups gnomAD compares: Non-Finnish European, 0.00017%; no homozygotes.

Submission:

Labcorp Genetics (formerly Invitae), Labcorp
Classification: Uncertain significance for Werner syndrome. Last evaluated: 2024-10-22. Review status: criteria provided, single submitter. Criteria: Invitae Variant Classification Sherloc (09022015). Collection method: clinical testing. Allele origin: germline.
Comment: This sequence change replaces aspartic acid, which is acidic and polar, with asparagine, which is neutral and polar, at codon 1344 of the WRN protein (p.Asp1344Asn). This variant is not present in population databases (gnomAD no frequency). This variant has not been reported in the literature in individuals affected with WRN-related conditions. ClinVar contains an entry for this variant (Variation ID: 528097). An algorithm developed to predict the effect of missense changes on protein structure and function (PolyPhen-2) suggests that this variant is likely to be disruptive. In summary, the available evidence is currently insufficient to determine the role of this variant in disease. Therefore, it has been classified as a Variant of Uncertain Significance.

NM_000553.6(WRN):c.4030G>A (p.Asp1344Asn)

Gene: WRN (WRN RecQ like helicase; plus strand). Cytogenetic location: 8p12.
Variant type: single nucleotide variant.
Coding change: c.4030G>A on transcript NM_000553.6 (MANE Select); coding-DNA position 4030, G replaced by A.
Protein change: p.Asp1344Asn; replaces aspartic acid 1344 with asparagine.
Molecular consequence: missense variant.
Genome position (GRCh38, 1-based): chr8:31,167,069, G>A. VCF-style: chr8-31167069-G-A. GRCh37 (hg19) VCF-style: chr8-31024585-G-A.
Other names: short protein forms D1344N.
Identifiers: ClinVar variation 528097 (VCV000528097.8), dbSNP rs1554538565, ClinGen allele CA370908818.